The following is an entry in ClinVar:

ClinVar aggregate classification (germline): Uncertain significance (1 of 4 stars; one submission).

Submission:

Labcorp Genetics (formerly Invitae), Labcorp
Classification: Uncertain significance. Last evaluated: 2022-08-01. Review status: criteria provided, single submitter. Criteria: Invitae Variant Classification Sherloc (09022015). Collection method: clinical testing. Allele origin: germline.
Comment: In summary, the available evidence is currently insufficient to determine the role of this variant in disease. Therefore, it has been classified as a Variant of Uncertain Significance. Algorithms developed to predict the effect of missense changes on protein structure and function are either unavailable or do not agree on the potential impact of this missense change (SIFT: "Not Available"; PolyPhen-2: "Probably Damaging"; Align-GVGD: "Not Available"). This variant has not been reported in the literature in individuals affected with UNC80-related conditions. This variant is not present in population databases (gnomAD no frequency). This sequence change replaces glycine, which is neutral and non-polar, with alanine, which is neutral and non-polar, at codon 2912 of the UNC80 protein (p.Gly2912Ala).

NM_001371986.1(UNC80):c.8933G>C (p.Gly2978Ala)

Gene: UNC80 (unc-80 subunit of NALCN channel complex; plus strand). Cytogenetic location: 2q34.
Variant type: single nucleotide variant.
Coding change: c.8933G>C on transcript NM_001371986.1 (MANE Select); coding-DNA position 8933, G replaced by C.
Protein change: p.Gly2978Ala; replaces glycine 2978 with alanine.
Molecular consequence: missense variant.
Genome position (GRCh38, 1-based): chr2:209,977,073, G>C. VCF-style: chr2-209977073-G-C. GRCh37 (hg19) VCF-style: chr2-210841797-G-C.
Other names: c.8735G>C, p.Gly2912Ala (NM_032504.2); c.8720G>C, p.Gly2907Ala (NM_182587.4); short protein forms G2907A, G2912A, G2978A.
Identifiers: ClinVar variation 1714522 (VCV001714522.5), dbSNP rs2471237285, ClinGen allele CA350414353.